The following is an entry in ClinVar:

NM_001063.4(TF):c.879del (p.Phe293fs)

Gene: TF (transferrin; plus strand). Cytogenetic location: 3q22.1.
Variant type: Deletion.
Coding change: c.879del on transcript NM_001063.4 (MANE Select); coding-DNA position 879, one base deleted (T; older notation c.879delT).
Protein change: p.Phe293fs; shifts the reading frame from phenylalanine 293.
Molecular consequence: frameshift variant.
Genome position (GRCh38, 1-based): chr3:133,757,777, T deleted; the last of 4 consecutive T bases (chr3:133,757,774-133,757,777); deleting any one gives the same sequence. VCF-style (leftmost placement, unchanged base first): chr3-133757773-AT-A. GRCh37 (hg19) VCF-style: chr3-133476617-AT-A.
Other names: c.747del, p.Phe249fs (NM_001354703.2); c.498del, p.Phe166fs (NM_001354704.2); short protein forms F166fs, F249fs, F293fs.
Identifiers: ClinVar variation 5014361 (VCV005014361.1).
Genomic context (GRCh38, chr3:133,757,773, plus strand): 5'-TTCTCAGCCTCCTTTCTTCTGTGTTGCCATCCACTATTCTGTTTTTCTATGAACAGGAAC[AT>A]TTTGGCAAAGACAAATCAAAAGAATTCCAACTATTCAGCTCTCCTCATGGGAAGGACCTG-3'

ClinVar aggregate classification (germline): Pathogenic (1 of 4 stars; one submission).

Conditions:
Atransferrinemia. Also called: Familial hypotransferrinemia. Identifiers: Orphanet 1195, MedGen C0521802, MONDO:0008846, OMIM 209300, HP:0012239.

Submission:

Myriad Genetics, Inc.
Classification: Pathogenic for Atransferrinemia. Last evaluated: 2025-04-29. Review status: criteria provided, single submitter. Criteria: Myriad Autosomal Dominant, Autosomal Recessive and X-Linked Classification Criteria (2023). Collection method: clinical testing. Allele origin: unknown.
Comment: NM_001063.3(TF):c.879delT(F293Lfs*30) is expected to be pathogenic in the context of atransferrinemia. This variant is predicted to lead to an abnormal or absent protein product due to the creation of a premature termination codon in TF, a gene where loss-of-function variants are known to be pathogenic. Please note: this variant was assessed in the context of healthy population screening.